The following is an entry in ClinVar:

NM_002691.4(POLD1):c.463+8_463+9delinsTT

Gene: POLD1 (DNA polymerase delta 1, catalytic subunit; plus strand). Cytogenetic location: 19q13.33.
Variant type: Indel.
Coding change: c.463+8_463+9delinsTT on transcript NM_002691.4 (MANE Select); bases 8 to 9 of the intron after coding-DNA position 463, GC replaced by TT.
Molecular consequence: intron variant.
Genome position (GRCh38, 1-based): chr19:50,401,932-50,401,933, GC replaced by TT. VCF-style: chr19-50401932-GC-TT. GRCh37 (hg19) VCF-style: chr19-50905189-GC-TT.
Other names: c.463+8_463+9delinsTT (LRG_785t1, LRG_785t2, NM_001256849.1 and 1 more transcripts).
Identifiers: ClinVar variation 221053 (VCV000221053.15), dbSNP rs796285537, ClinGen allele CA349001.

ClinVar aggregate classification (germline): Benign/Likely benign. Review status: criteria provided, multiple submitters, no conflicts (2 of 4 stars). 6 submissions from 6 submitters: Benign (1); Likely benign (2). 3 of the submissions do not count toward it. Last evaluated 2026-02-04.

Conditions:
Hereditary cancer-predisposing syndrome. Also called: Tumor predisposition; Hereditary Cancer Syndrome; Neoplastic Syndromes, Hereditary; Hereditary neoplastic syndrome. Identifiers: Orphanet 140162, MedGen C0027672, MeSH D009386, MONDO:0015356.
POLD1-related polyposis and colorectal cancer syndrome (CRCS10). Also called: Colorectal cancer 10; COLORECTAL CANCER, SUSCEPTIBILITY TO, ON CHROMOSOME 19q; Colorectal cancer, susceptibility to, 10. Identifiers: Orphanet 220460, MedGen C2675481, MONDO:0012953, OMIM 612591.
Carcinoma of colon (CRC). Also called: Colonic carcinoma; Colon carcinoma. Identifiers: MedGen C0699790, MONDO:0002032.

Submissions (6):

Labcorp Genetics (formerly Invitae), Labcorp
Classification: Benign for POLD1-related polyposis and colorectal cancer syndrome. Last evaluated: 2026-02-04. Review status: criteria provided, single submitter. Criteria: Invitae Variant Classification Sherloc (09022015). Collection method: clinical testing. Allele origin: germline.

GeneDx
Classification: Likely benign. Last evaluated: 2016-09-12. Review status: criteria provided, single submitter. Criteria: GeneDx Variant Classification (06012015). Collection method: clinical testing. Allele origin: germline. Affected: yes.
Comment: This variant is considered likely benign or benign based on one or more of the following criteria: it is a conservative change, it occurs at a poorly conserved position in the protein, it is predicted to be benign by multiple in silico algorithms, and/or has population frequency not consistent with disease.

Women's Health and Genetics/Laboratory Corporation of America, LabCorp
Classification: Likely benign. Last evaluated: 2016-08-26. Review status: criteria provided, single submitter. Criteria: LabCorp Variant Classification Summary - May 2015. Collection method: clinical testing. Allele origin: germline.
Comment: Variant summary: The POLD1 c.463+8_463+9delinsTT variant involves the alteration of non-conserved nucleotides, resulting in a intronic change. This delins variant is not found in ExAC; however, the individual variants that form the variant of interest, viz. 19:50905189 G / T and 19:50905190 C / T are found at allele frequencies of 0.1145 (13864/ 121128) and 0.007434 (901/121202), respectively. In African sub-population, they have allele frequencies of 0.2939 and 0.08015, respectively. Therefore, it is highly likely they are in a considerable linkage disequilibrium such that the variant of interest also has a frequency that exceeds the estimated maximal expected allele frequency (0.00142) based on the disease prevalence of CRC. One clinical lab in ClinVar has classified it bas benign. The variant of interest has not been reported in affected individuals via publications, to our knowledge. Taken together, this variant is classified as likely benign.

True Health Diagnostics
Classification: Likely benign for Hereditary cancer-predisposing syndrome. Last evaluated: 2017-10-25. Review status: no assertion criteria provided. Collection method: clinical testing. Allele origin: germline. Not counted in ClinVar's aggregate classification.

Counsyl
Classification: Likely benign for POLD1-related polyposis and colorectal cancer syndrome. Last evaluated: 2016-07-18. Review status: no assertion criteria provided. Collection method: clinical testing. Allele origin: unknown. Not counted in ClinVar's aggregate classification.

Department of Pathology and Laboratory Medicine, Sinai Health System
Classification: Likely benign for Carcinoma of colon. Review status: no assertion criteria provided. Collection method: clinical testing. Allele origin: unknown. Affected: yes. Study: The Canadian Open Genetics Repository (COGR). Not counted in ClinVar's aggregate classification.
Comment: The POLD1 c.463+8_463+9delinsTT variant was not identified in the literature nor was it identified in MutDB. The variant was identified in dbSNP (ID: rs796285537 as With other allele) and ClinVar (3x as likely benign and 1x as benign). The variant was not identified in the following control databases: the 1000 Genomes Project, the NHLBI GO Exome Sequencing Project, the Exome Aggregation Consortium (August 8th 2016), or the Genome Aggregation Database (Feb 27, 2017). However, each nucleotide substitution included in this variant was identified in control databases: c.463+8G>T at a frequency of 0.1, c.463+9C>T at a frequency of 0.007, and both occurring at the highest frequency in the African population (Genome Aggregation Database Feb 27, 2017). In addition, the two variants are sometimes identified in both ExAC and Gnomad as occurring in cis (c.463+8_463+9delinsTT variant), which can be seen in the IGV tracks provided; however, frequency information is not available at this time. In summary, the clinical significance of this variant cannot be determined with certainty at this time, although available information suggests a benign role. This variant is classified as likely benign.